The following is an entry in ClinVar:

ClinVar aggregate classification (germline): Likely pathogenic (1 of 4 stars; one submission).

Conditions:
Propionic acidemia (PROP). Also called: GLYCINEMIA, KETOTIC; HYPERGLYCINEMIA WITH KETOACIDOSIS AND LEUKOPENIA; KETOTIC HYPERGLYCINEMIA. Identifiers: Orphanet 35, MedGen C0268579, MONDO:0011628, OMIM 606054, HP:0003571.

Submission:

Natera, Inc.
Classification: Likely pathogenic for Propionic acidemia. Last evaluated: 2025-01-09. Review status: criteria provided, single submitter. Criteria: Natera Variant Classification Schema (03/2026). Collection method: clinical testing. Allele origin: germline.
Comment: The c.142del variant in PCCA is a frameshift variant predicted to shift the reading frame beginning at codon 48 and leads to a stop codon 56 codons downstream. This variant is expected to result in nonsense mediated decay, truncation, or a dysfunctional protein product. This variant is rare in the general population with a frequency below the threshold expected for the associated phenotype(s). Given the available evidence, this variant is classified as Likely Pathogenic.

NM_000282.4(PCCA):c.142del (p.Ser48fs)

Gene: PCCA (propionyl-CoA carboxylase subunit alpha; plus strand). Cytogenetic location: 13q32.3.
Variant type: Deletion.
Coding change: c.142del on transcript NM_000282.4 (MANE Select); coding-DNA position 142, one base deleted (T; older notation c.142delT).
Protein change: p.Ser48fs; shifts the reading frame from serine 48.
Molecular consequence: frameshift variant. On other transcripts: 5 prime UTR variant (3), non-coding transcript variant (4), intron variant (3).
Genome position (GRCh38, 1-based): chr13:100,102,919, T deleted. VCF-style (leftmost placement, unchanged base first): chr13-100102918-GT-G. GRCh37 (hg19) VCF-style: chr13-100755172-GT-G.
Other names: c.142del, p.Ser48fs (NM_001178004.2, NM_001352605.2, NM_001352606.2 and 1 more transcripts); c.-725del (NM_001352610.2, NM_001352611.2, NM_001352612.2); c.106-8922del (NM_001127692.3, NM_001352607.2, NM_001352608.2); short protein forms S48fs.
Identifiers: ClinVar variation 4059294 (VCV004059294.2).